The following is an entry in ClinVar:

ClinVar aggregate classification (germline): Uncertain significance (1 of 4 stars; one submission).

Submission:

Labcorp Genetics (formerly Invitae), Labcorp
Classification: Uncertain significance. Last evaluated: 2022-03-04. Review status: criteria provided, single submitter. Criteria: Invitae Variant Classification Sherloc (09022015). Collection method: clinical testing. Allele origin: germline.
Comment: In summary, the available evidence is currently insufficient to determine the role of this variant in disease. Therefore, it has been classified as a Variant of Uncertain Significance. This sequence change replaces glutamic acid, which is acidic and polar, with aspartic acid, which is acidic and polar, at codon 150 of the DMRT1 protein (p.Glu150Asp). This variant is not present in population databases (gnomAD no frequency). This variant has not been reported in the literature in individuals affected with DMRT1-related conditions. Algorithms developed to predict the effect of missense changes on protein structure and function are either unavailable or do not agree on the potential impact of this missense change (SIFT: "Tolerated"; PolyPhen-2: "Probably Damaging"; Align-GVGD: "Class C0").

NM_021951.3(DMRT1):c.450G>C (p.Glu150Asp)

Gene: DMRT1 (doublesex and mab-3 related transcription factor 1; plus strand). Cytogenetic location: 9p24.3.
Variant type: single nucleotide variant.
Coding change: c.450G>C on transcript NM_021951.3 (MANE Select); coding-DNA position 450, G replaced by C.
Protein change: p.Glu150Asp; replaces glutamic acid 150 with aspartic acid.
Molecular consequence: missense variant. On other transcripts: 5 prime UTR variant (1).
Genome position (GRCh38, 1-based): chr9:847,055, G>C. VCF-style: chr9-847055-G-C. GRCh37 (hg19) VCF-style: chr9-847055-G-C.
Other names: c.-25G>C (NM_001363767.1); short protein forms E150D.
Identifiers: ClinVar variation 2105800 (VCV002105800.4), dbSNP rs2132543133, ClinGen allele CA372770205.